The following is an entry in ClinVar:

ClinVar aggregate classification (germline): Likely pathogenic. Review status: criteria provided, single submitter (1 of 4 stars). 2 submissions from 2 submitters: Likely pathogenic (1). 1 of the submissions does not count toward it. Last evaluated 2024-05-28.

Conditions:
Zellweger spectrum disorders (ZS). Also called: Zellweger Spectrum Disorder (ZSD); Zellweger Spectrum Disorder; Zellweger Spectrum; Zellweger syndrome. Identifiers: Orphanet 912, MedGen C0043459, MONDO:0019609.
Peroxisome biogenesis disorder 5A (Zellweger) (PBD5A). Identifiers: Orphanet 912, MedGen C3553940, MONDO:0013932, OMIM 614866.
Peroxisome biogenesis disorder 5B (PBD5B). Identifiers: Orphanet 44, MedGen C3542026, MONDO:0013933, OMIM 614867.

Submissions (2):

Natera, Inc.
Classification: Likely pathogenic for Zellweger syndrome. Last evaluated: 2024-05-28. Review status: criteria provided, single submitter. Criteria: Natera Variant Classification Schema (03/2026). Collection method: clinical testing. Allele origin: germline.
Comment: The c.304C>T variant in PEX2 is a nonsense variant predicted to introduce a stop codon at amino acid 102. This variant is expected to result in nonsense mediated decay, truncation, or a dysfunctional protein product. This variant is rare in the general population with a frequency below the threshold expected for the associated phenotype(s). Given the available evidence, this variant is classified as Likely Pathogenic.

Counsyl
Classification: Likely pathogenic for Peroxisome biogenesis disorder 5A (Zellweger); Peroxisome biogenesis disorder 5B. Last evaluated: 2017-09-20. Review status: no assertion criteria provided. Collection method: clinical testing. Allele origin: unknown. Not counted in ClinVar's aggregate classification.

NM_000318.3(PEX2):c.304C>T (p.Gln102Ter)

Gene: PEX2 (peroxisomal biogenesis factor 2; minus strand). Cytogenetic location: 8q21.13.
Variant type: single nucleotide variant.
Coding change: c.304C>T on transcript NM_000318.3 (MANE Select); coding-DNA position 304, C replaced by T.
Protein change: p.Gln102Ter; replaces glutamine 102 with a stop codon.
Molecular consequence: nonsense.
Genome position (GRCh38, 1-based): chr8:76,983,875, G>A on the plus strand (C>T on the coding strand, the complement: PEX2 is on the minus strand). VCF-style: chr8-76983875-G-A. GRCh37 (hg19) VCF-style: chr8-77896111-G-A.
Other names: c.304C>T, p.Gln102Ter (NM_001079867.2, NM_001172086.2, NM_001172087.2); short protein forms Q102*.
Identifiers: ClinVar variation 553956 (VCV000553956.3), dbSNP rs200065382, ClinGen allele CA371557640.